The following is an entry in ClinVar:

NM_003024.3(ITSN1):c.5053A>G (p.Ile1685Val)

Gene: ITSN1 (intersectin 1; plus strand). Cytogenetic location: 21q22.11.
Variant type: single nucleotide variant.
Coding change: c.5053A>G on transcript NM_003024.3 (MANE Select); coding-DNA position 5053, A replaced by G.
Protein change: p.Ile1685Val; replaces isoleucine 1685 with valine.
Molecular consequence: missense variant.
Genome position (GRCh38, 1-based): chr21:33,888,187, A>G. VCF-style: chr21-33888187-A-G. GRCh37 (hg19) VCF-style: chr21-35260491-A-G.
Other names: c.5038A>G, p.Ile1680Val (NM_001331010.2); short protein forms I1680V, I1685V.
Identifiers: ClinVar variation 4057021 (VCV004057021.1).
Genomic context (GRCh38, chr21:33,888,187, plus strand): 5'-GAGGGTCTGTTTGTTCTCTTTTCAGATTTTTTGGGTCGGACGGAGATCCGTGTGGCGGAC[A>G]TCAAGAAAGACCAGGGCTCCAAAGGTCCAGTTACGAAGTGTCTTCTGCTGCACGAAGTCC-3'
Protein context (NP_003015.2, residues 1675-1695): LGRTEIRVAD[Ile1685Val]KKDQGSKGPV

ClinVar aggregate classification (germline): Uncertain significance (1 of 4 stars; one submission).

gnomAD v4.1: 4 of 1,614,134 alleles (0.00025%); highest among the groups gnomAD compares: Non-Finnish European, 0.00034%; no homozygotes.

Submission:

GeneDx
Classification: Uncertain significance. Last evaluated: 2025-01-09. Review status: criteria provided, single submitter. Criteria: GeneDx Variant Classification Process June 2021. Collection method: clinical testing. Allele origin: germline. Affected: yes.
Comment: Not observed at significant frequency in large population cohorts (gnomAD); In silico analysis indicates that this missense variant does not alter protein structure/function; Has not been previously published as pathogenic or benign to our knowledge